The following is an entry in ClinVar:

ClinVar aggregate classification (germline): Uncertain significance (1 of 4 stars; one submission).

Submission:

Labcorp Genetics (formerly Invitae), Labcorp
Classification: Uncertain significance. Last evaluated: 2022-04-28. Review status: criteria provided, single submitter. Criteria: Invitae Variant Classification Sherloc (09022015). Collection method: clinical testing. Allele origin: germline.
Comment: This sequence change creates a premature translational stop signal (p.Gln413Argfs*38) in the SAMD11 gene. It is expected to result in an absent or disrupted protein product. However, the current clinical and genetic evidence is not sufficient to establish whether loss-of-function variants in SAMD11 cause disease. The frequency data for this variant in the population databases is considered unreliable, as metrics indicate poor data quality at this position in the gnomAD database. This variant has not been reported in the literature in individuals affected with SAMD11-related conditions. In summary, the available evidence is currently insufficient to determine the role of this variant in disease. Therefore, it has been classified as a Variant of Uncertain Significance.

NM_001385641.1(SAMD11):c.1726del (p.Gln576fs)

Gene: SAMD11 (sterile alpha motif domain containing 11; plus strand). Cytogenetic location: 1p36.33.
Variant type: Deletion.
Coding change: c.1726del on transcript NM_001385641.1 (MANE Select); coding-DNA position 1726, one base deleted (C; older notation c.1726delC).
Protein change: p.Gln576fs; shifts the reading frame from glutamine 576.
Molecular consequence: frameshift variant.
Genome position (GRCh38, 1-based): chr1:942,731, C deleted; the last of 7 consecutive C bases (chr1:942,725-942,731); deleting any one gives the same sequence. VCF-style (leftmost placement, unchanged base first): chr1-942724-GC-G. GRCh37 (hg19) VCF-style: chr1-878104-GC-G.
Other names: c.1729del, p.Gln577fs (NM_001385640.1); c.1237del, p.Gln413fs (NM_152486.4); short protein forms Q413fs, Q576fs, Q577fs.
Identifiers: ClinVar variation 2186660 (VCV002186660.1), dbSNP rs1223597129, ClinGen allele CA520630710.
Genomic context (GRCh38, chr1:942,724, plus strand): 5'-GCTGCAGCGGCGCGGGGCCCTGCTGGTGCTGAACCACGGCGCGGCGCCACTGCTGGCCCT[GC>G]CCCCCCAGGGGCCCCCGGGCTCCGGACCCCCCACCCCGTCCCGGGACTCTGCCCGGCGAG-3'